The following is an entry in ClinVar:

ClinVar aggregate classification (germline): Conflicting classifications of pathogenicity. Review status: criteria provided, conflicting classifications (1 of 4 stars). 2 submissions from 2 submitters: Uncertain significance (1); Likely benign (1). Last evaluated 2023-12-05.

Conditions:
Hereditary cancer-predisposing syndrome. Also called: Neoplastic Syndromes, Hereditary; Tumor predisposition; Hereditary Cancer Syndrome; Hereditary neoplastic syndrome. Identifiers: Orphanet 140162, MedGen C0027672, MeSH D009386, MONDO:0015356.

Submissions (2):

Color Diagnostics, LLC DBA Color Health
Classification: Uncertain significance for Hereditary cancer-predisposing syndrome. Last evaluated: 2023-12-05. Review status: criteria provided, single submitter. Criteria: ACMG Guidelines, 2015. Collection method: clinical testing. Allele origin: germline.
Comment: This missense variant replaces asparagine with aspartic acid at codon 1706 of the BRCA2 protein. Computational prediction suggests that this variant may not impact protein structure and function (internally defined REVEL score threshold <= 0.5, PMID: 27666373). To our knowledge, functional studies have not been reported for this variant. This variant has not been reported in individuals affected with BRCA2-related disorders in the literature. This variant has not been identified in the general population by the Genome Aggregation Database (gnomAD). The available evidence is insufficient to determine the role of this variant in disease conclusively. Therefore, this variant is classified as a Variant of Uncertain Significance.

University of Washington Department of Laboratory Medicine, University of Washington
Classification: Likely benign for Hereditary cancer-predisposing syndrome. Last evaluated: 2023-03-23. Review status: criteria provided, single submitter. Criteria: Dines et al. (Genet Med. 2020). Collection method: curation. Allele origin: germline.
Comment: Missense variant in a coldspot region where missense variants are very unlikely to be pathogenic (PMID:31911673).

BRCA2 exon 11 coldspot. Reclassification based on statistical prior probability.

NM_000059.4(BRCA2):c.5116A>G (p.Asn1706Asp)

Gene: BRCA2 (BRCA2 DNA repair associated; plus strand). Cytogenetic location: 13q13.1.
Variant type: single nucleotide variant.
Coding change: c.5116A>G on transcript NM_000059.4 (MANE Select); coding-DNA position 5116, A replaced by G.
Protein change: p.Asn1706Asp; replaces asparagine 1706 with aspartic acid.
Molecular consequence: missense variant.
Genome position (GRCh38, 1-based): chr13:32,339,471, A>G. VCF-style: chr13-32339471-A-G. GRCh37 (hg19) VCF-style: chr13-32913608-A-G.
Other names: short protein forms N1706D.
Identifiers: ClinVar variation 920133 (VCV000920133.6), dbSNP rs2072520671, ClinGen allele CA387784148.
Genomic context (GRCh38, chr13:32,339,471, plus strand): 5'-TTACTTGAAGCAAAAAAATGGCTTAGAGAAGGAATATTTGATGGTCAACCAGAAAGAATA[A>G]ATACTGCAGATTATGTAGGAAATTATTTGTATGAAAATAATTCAAACAGTACTATAGCTG-3'
Protein context (NP_000050.3, residues 1696-1716): GIFDGQPERI[Asn1706Asp]TADYVGNYLY